The following is an entry in ClinVar:

ClinVar aggregate classification (germline): Uncertain significance. Review status: criteria provided, multiple submitters, no conflicts (2 of 4 stars). 2 submissions from 2 submitters: Uncertain significance (2). Last evaluated 2023-08-15.

Allele frequency attached by ClinVar (database versions not stated): ExAC 0.00002; gnomAD 0.00003; gnomAD exomes 0.00004; 1000 Genomes Project 30x 0.00016; 1000 Genomes Project 0.00020.
gnomAD v4.1: 66 of 1,614,092 alleles (0.0041%); highest among the groups gnomAD compares: East Asian, 0.14%; no homozygotes.

Submissions (2):

Ambry Genetics
Classification: Uncertain significance. Last evaluated: 2023-08-15. Review status: criteria provided, single submitter. Criteria: Ambry Variant Classification Scheme 2023. Collection method: clinical testing. Allele origin: germline.

Labcorp Genetics (formerly Invitae), Labcorp
Classification: Uncertain significance. Last evaluated: 2022-04-20. Review status: criteria provided, single submitter. Criteria: Invitae Variant Classification Sherloc (09022015). Collection method: clinical testing. Allele origin: germline.
Comment: This sequence change replaces lysine, which is basic and polar, with arginine, which is basic and polar, at codon 623 of the KANK1 protein (p.Lys623Arg). This variant is present in population databases (rs114152214, gnomAD 0.02%). This variant has not been reported in the literature in individuals affected with KANK1-related conditions. Algorithms developed to predict the effect of missense changes on protein structure and function output the following: SIFT: "Tolerated"; PolyPhen-2: "Benign"; Align-GVGD: "Class C0". The arginine amino acid residue is found in multiple mammalian species, which suggests that this missense change does not adversely affect protein function. Algorithms developed to predict the effect of sequence changes on RNA splicing suggest that this variant may create or strengthen a splice site. In summary, the available evidence is currently insufficient to determine the role of this variant in disease. Therefore, it has been classified as a Variant of Uncertain Significance.

NM_015158.5(KANK1):c.1868A>G (p.Lys623Arg)

Gene: KANK1 (KN motif and ankyrin repeat domains 1; plus strand). Cytogenetic location: 9p24.3.
Variant type: single nucleotide variant.
Coding change: c.1868A>G on transcript NM_015158.5 (MANE Select); coding-DNA position 1868, A replaced by G.
Protein change: p.Lys623Arg; replaces lysine 623 with arginine.
Molecular consequence: missense variant. On other transcripts: non-coding transcript variant (1).
Genome position (GRCh38, 1-based): chr9:712,634, A>G. VCF-style: chr9-712634-A-G. GRCh37 (hg19) VCF-style: chr9-712634-A-G.
Other names: c.1394A>G, p.Lys465Arg (NM_001354336.2, NM_001354337.2, NM_001354338.2 and 9 more transcripts); c.1868A>G, p.Lys623Arg (NM_001256876.3, NM_001256877.3, NM_001354331.2 and 2 more transcripts); c.1868A>G (NM_015158.2); short protein forms K465R, K623R.
Identifiers: ClinVar variation 2173002 (VCV002173002.6), dbSNP rs114152214, ClinGen allele CA4960343.